The following is an entry in ClinVar:

NM_007194.4(CHEK2):c.591A>C (p.Lys197Asn)

Gene: CHEK2 (checkpoint kinase 2; minus strand). Cytogenetic location: 22q12.1.
Variant type: single nucleotide variant.
Coding change: c.591A>C on transcript NM_007194.4 (MANE Select); coding-DNA position 591, A replaced by C.
Protein change: p.Lys197Asn; replaces lysine 197 with asparagine.
Molecular consequence: missense variant. On other transcripts: 5 prime UTR variant (2), intron variant (1).
Genome position (GRCh38, 1-based): chr22:28,724,978, T>G on the plus strand (A>C on the coding strand, the complement: CHEK2 is on the minus strand). VCF-style: chr22-28724978-T-G. GRCh37 (hg19) VCF-style: chr22-29120966-T-G.
Other names: c.720A>C, p.Lys240Asn (NM_001005735.3, NM_001438294.1); c.-187A>C (NM_001257387.3); c.-73A>C (NM_001437942.1); c.684A>C, p.Lys228Asn (NM_001438293.1, NM_001438295.1); c.591A>C, p.Lys197Asn (NM_145862.3); c.445-55A>C (NM_001349956.3); short protein forms K197N, K240N, K228N.
Identifiers: ClinVar variation 3492186 (VCV003492186.1).

ClinVar aggregate classification (germline): Uncertain significance (1 of 4 stars; one submission).

Conditions:
Hereditary cancer-predisposing syndrome. Also called: Tumor predisposition; Neoplastic Syndromes, Hereditary; Hereditary Cancer Syndrome; Hereditary neoplastic syndrome. Identifiers: Orphanet 140162, MedGen C0027672, MeSH D009386, MONDO:0015356.

Submission:

Ambry Genetics
Classification: Uncertain significance for Hereditary cancer-predisposing syndrome. Last evaluated: 2024-09-14. Review status: criteria provided, single submitter. Criteria: Ambry Variant Classification Scheme 2023. Collection method: clinical testing. Allele origin: germline.
Comment: The p.K197N variant (also known as c.591A>C), located in coding exon 3 of the CHEK2 gene, results from an A to C substitution at nucleotide position 591. The lysine at codon 197 is replaced by asparagine, an amino acid with similar properties. This amino acid position is highly conserved in available vertebrate species. In addition, the in silico prediction for this alteration is inconclusive. Based on the available evidence, the clinical significance of this variant remains unclear.